The following is an entry in ClinVar:

NM_018127.7(ELAC2):c.1651C>A (p.His551Asn)

Gene: ELAC2 (elaC ribonuclease Z 2; minus strand). Cytogenetic location: 17p12.
Variant type: single nucleotide variant.
Coding change: c.1651C>A on transcript NM_018127.7 (MANE Select); coding-DNA position 1651, C replaced by A.
Protein change: p.His551Asn; replaces histidine 551 with asparagine.
Molecular consequence: missense variant.
Genome position (GRCh38, 1-based): chr17:12,996,555, G>T on the plus strand (C>A on the coding strand, the complement: ELAC2 is on the minus strand). VCF-style: chr17-12996555-G-T. GRCh37 (hg19) VCF-style: chr17-12899872-G-T.
Other names: c.1531C>A, p.His511Asn (NM_001165962.2); c.1648C>A, p.His550Asn (NM_173717.2); short protein forms H550N, H551N, H511N.
Identifiers: ClinVar variation 1370044 (VCV001370044.5), dbSNP rs1487812489, ClinGen allele CA398223842.
Genomic context (GRCh38, chr17:12,996,555, plus strand): 5'-CGTGGCAGTGCCTCCTCCAGGCTCCAGCTTTGTGGTCCAGCCCAACACTCACCGTGTGGT[G>T]ATCTGCGTGCAGGTGGGACACAAACACAGCAGCCAGGGTGCCCAGGACCCTGTCCACCTG-3'
Protein context (NP_060597.4, residues 541-561): AVFVSHLHAD[His551Asn]HTGLPSILLQ

ClinVar aggregate classification (germline): Uncertain significance (1 of 4 stars; one submission).

Conditions:
Combined oxidative phosphorylation defect type 17. Also called: Combined oxidative phosphorylation deficiency 17. Identifiers: Orphanet 369913, MedGen C3809526, MONDO:0014190, OMIM 615440.

Allele frequency attached by ClinVar (database versions not stated): TOPMed below 0.00001.
gnomAD v4.1: 2 of 1,613,974 alleles (0.00012%); highest among the groups gnomAD compares: East Asian, 0.0045%; no homozygotes.

Submission:

Labcorp Genetics (formerly Invitae), Labcorp
Classification: Uncertain significance for Combined oxidative phosphorylation defect type 17. Last evaluated: 2021-08-13. Review status: criteria provided, single submitter. Criteria: Invitae Variant Classification Sherloc (09022015). Collection method: clinical testing. Allele origin: germline.
Comment: This sequence change replaces histidine with asparagine at codon 551 of the ELAC2 protein (p.His551Asn). The histidine residue is highly conserved and there is a small physicochemical difference between histidine and asparagine. This variant is not present in population databases (ExAC no frequency). This variant has not been reported in the literature in individuals affected with ELAC2-related conditions. Algorithms developed to predict the effect of missense changes on protein structure and function (SIFT, PolyPhen-2, Align-GVGD) all suggest that this variant is likely to be disruptive. In summary, the available evidence is currently insufficient to determine the role of this variant in disease. Therefore, it has been classified as a Variant of Uncertain Significance.